The following is an entry in ClinVar:

NM_031935.3(HMCN1):c.15575-1G>T

Gene: HMCN1 (hemicentin 1; plus strand). Cytogenetic location: 1q31.1.
Variant type: single nucleotide variant.
Coding change: c.15575-1G>T on transcript NM_031935.3 (MANE Select); the canonical splice acceptor site of the intron before coding-DNA position 15575, G replaced by T.
Molecular consequence: splice acceptor variant.
Genome position (GRCh38, 1-based): chr1:186,171,336, G>T. VCF-style: chr1-186171336-G-T. GRCh37 (hg19) VCF-style: chr1-186140468-G-T.
Identifiers: ClinVar variation 2878350 (VCV002878350.3), dbSNP rs200351804, ClinGen allele CA343931996.

ClinVar aggregate classification (germline): Uncertain significance (1 of 4 stars; one submission).

gnomAD v4.1: 1 of 1,607,852 alleles (0.000062%); highest among the groups gnomAD compares: Non-Finnish European, 0.000085%; no homozygotes.

Submission:

Labcorp Genetics (formerly Invitae), Labcorp
Classification: Uncertain significance. Last evaluated: 2023-06-23. Review status: criteria provided, single submitter. Criteria: Invitae Variant Classification Sherloc (09022015). Collection method: clinical testing. Allele origin: germline.
Comment: Algorithms developed to predict the effect of sequence changes on RNA splicing suggest that this variant may disrupt the consensus splice site. This sequence change affects an acceptor splice site in intron 100 of the HMCN1 gene. It is expected to disrupt RNA splicing. Variants that disrupt the donor or acceptor splice site typically lead to a loss of protein function (PMID: 16199547), however the current clinical and genetic evidence is not sufficient to establish whether loss-of-function variants in HMCN1 cause disease. This variant is not present in population databases (gnomAD no frequency). Disruption of this splice site has been observed in individual(s) with rod-cone dystrophy (Invitae). In summary, the available evidence is currently insufficient to determine the role of this variant in disease. Therefore, it has been classified as a Variant of Uncertain Significance.

Literature cited by the submitters: PubMed 16199547.